The following is an entry in ClinVar:

NM_001134363.3(RBM20):c.2518del (p.Asp840fs)

Gene: RBM20 (RNA binding motif protein 20; plus strand). Cytogenetic location: 10q25.2.
Variant type: Deletion.
Coding change: c.2518del on transcript NM_001134363.3 (MANE Select); coding-DNA position 2518, one base deleted (G; older notation c.2518delG).
Protein change: p.Asp840fs; shifts the reading frame from aspartic acid 840.
Molecular consequence: frameshift variant.
Genome position (GRCh38, 1-based): chr10:110,812,915, G deleted. VCF-style (leftmost placement, unchanged base first): chr10-110812914-TG-T. GRCh37 (hg19) VCF-style: chr10-112572672-TG-T.
Other names: c.2518delG (NM_001134363.1); short protein forms D840fs.
Identifiers: ClinVar variation 1523858 (VCV001523858.7), dbSNP rs2135106385, ClinGen allele CA2573145563.

ClinVar aggregate classification (germline): Conflicting classifications of pathogenicity. Review status: criteria provided, conflicting classifications (1 of 4 stars). 2 submissions from 2 submitters: Pathogenic (1); Uncertain significance (1). Last evaluated 2025-12-08.

Conditions:
Dilated cardiomyopathy 1DD (CMD1DD). Identifiers: Orphanet 154, MedGen C2750995, MONDO:0013168, OMIM 613172.
Cardiovascular phenotype. Identifiers: MedGen CN230736.

Submissions (2):

Labcorp Genetics (formerly Invitae), Labcorp
Classification: Pathogenic for Dilated cardiomyopathy 1DD. Last evaluated: 2025-12-08. Review status: criteria provided, single submitter. Criteria: Invitae Variant Classification Sherloc (09022015). Collection method: clinical testing. Allele origin: germline.
Comment: This sequence change creates a premature translational stop signal (p.Asp840Ilefs*70) in the RBM20 gene. It is expected to result in an absent or disrupted protein product. Loss-of-function variants in RBM20 are known to be pathogenic (PMID: 20590677, 22004663, 38288598, 38510713, 40339755). This variant is not present in population databases (gnomAD no frequency). This variant has not been reported in the literature in individuals affected with RBM20-related conditions. ClinVar contains an entry for this variant (Variation ID: 1523858). For these reasons, this variant has been classified as Pathogenic.

Ambry Genetics
Classification: Uncertain significance for Cardiovascular phenotype. Last evaluated: 2025-02-27. Review status: criteria provided, single submitter. Criteria: Ambry Variant Classification Scheme 2023. Collection method: clinical testing. Allele origin: germline.
Comment: The c.2518delG variant, located in coding exon 9 of the RBM20 gene, results from a deletion of one nucleotide at nucleotide position 2518, causing a translational frameshift with a predicted alternate stop codon (p.D840Ifs*70). This alteration is expected to result in protein truncation or nonsense-mediated mRNA decay. However, loss of function of RBM20 has not been established as a mechanism of disease. Based on the available evidence, the clinical significance of this alteration remains unclear.

Literature cited by the submitters: PubMed 20590677 (cited by Labcorp Genetics (formerly Invitae), Labcorp); PubMed 22004663 (cited by Labcorp Genetics (formerly Invitae), Labcorp); PubMed 38288598 (cited by Labcorp Genetics (formerly Invitae), Labcorp); PubMed 38510713 (cited by Labcorp Genetics (formerly Invitae), Labcorp); PubMed 40339755 (cited by Labcorp Genetics (formerly Invitae), Labcorp).